The following is an entry in ClinVar:

NM_000368.5(TSC1):c.1260G>A (p.Arg420=)

Gene: TSC1 (TSC complex subunit 1; minus strand). Cytogenetic location: 9q34.13.
Variant type: single nucleotide variant.
Coding change: c.1260G>A on transcript NM_000368.5 (MANE Select); coding-DNA position 1260, G replaced by A.
Protein change: p.Arg420=; no amino-acid change (arginine 420 retained).
Molecular consequence: synonymous variant. On other transcripts: non-coding transcript variant (5).
Genome position (GRCh38, 1-based): chr9:132,910,574, C>T on the plus strand (G>A on the coding strand, the complement: TSC1 is on the minus strand). VCF-style: chr9-132910574-C-T. GRCh37 (hg19) VCF-style: chr9-135785961-C-T.
Other names: c.1257G>A, p.Arg419= (NM_001162426.2, NM_001406597.1, NM_001406598.1 and 6 more transcripts); c.1107G>A, p.Arg369= (NM_001162427.2, NM_001406610.1); c.897G>A, p.Arg299= (NM_001362177.2, NM_001406614.1, NM_001406615.1 and 5 more transcripts); c.1260G>A, p.Arg420= (NM_001406592.1, NM_001406593.1, NM_001406594.1 and 7 more transcripts); c.1104G>A, p.Arg368= (NM_001406611.1, NM_001406612.1, NM_001406613.1); c.894G>A, p.Arg298= (NM_001406620.1, NM_001406621.1, NM_001406622.1 and 2 more transcripts); c.309G>A, p.Arg103= (NM_001406626.1); c.306G>A, p.Arg102= (NM_001406627.1, NM_001406628.1); and 1 more.
Identifiers: ClinVar variation 2102433 (VCV002102433.4), dbSNP rs2538829180, ClinGen allele CA467593055.

ClinVar aggregate classification (germline): Uncertain significance (1 of 4 stars; one submission).

Conditions:
Tuberous sclerosis 1 (TSC1). Identifiers: Orphanet 805, MedGen C1854465, MONDO:0008612, OMIM 191100.

Allele frequency attached by ClinVar (database versions not stated): gnomAD exomes below 0.00001.

Submission:

Labcorp Genetics (formerly Invitae), Labcorp
Classification: Uncertain significance for Tuberous sclerosis 1. Last evaluated: 2022-02-23. Review status: criteria provided, single submitter. Criteria: Invitae Variant Classification Sherloc (09022015). Collection method: clinical testing. Allele origin: germline.
Comment: This sequence change affects codon 420 of the TSC1 mRNA. It is a 'silent' change, meaning that it does not change the encoded amino acid sequence of the TSC1 protein. This variant is not present in population databases (gnomAD no frequency). This variant has not been reported in the literature in individuals affected with TSC1-related conditions. Algorithms developed to predict the effect of sequence changes on RNA splicing suggest that this variant may create or strengthen a splice site. In summary, the available evidence is currently insufficient to determine the role of this variant in disease. Therefore, it has been classified as a Variant of Uncertain Significance.